The following is an entry in ClinVar:

ClinVar aggregate classification (germline): Conflicting classifications of pathogenicity. Review status: criteria provided, conflicting classifications (1 of 4 stars). 14 submissions from 10 submitters: Uncertain significance (10); Benign (1); Likely benign (3). Last evaluated 2026-02-02.

Conditions:
Cardiovascular phenotype. Identifiers: MedGen CN230736.
Hereditary cancer-predisposing syndrome. Also called: Neoplastic Syndromes, Hereditary; Hereditary neoplastic syndrome; Hereditary Cancer Syndrome; Tumor predisposition. Identifiers: Orphanet 140162, MedGen C0027672, MeSH D009386, MONDO:0015356.
Hereditary breast ovarian cancer syndrome. Also called: Hereditary breast and ovarian cancer syndrome; Breast and ovarian cancer; BRCA1- and BRCA2-Associated Hereditary Breast and Ovarian Cancer; Hereditary breast and/or ovarian cancer syndrome; Hereditary breast and ovarian cancer; Hereditary breast and ovarian cancer syndrome (HBOC). Identifiers: Orphanet 145, MedGen C0677776, MeSH D061325, MONDO:0003582. Disease mechanism: loss of function.
Neurofibromatosis-Noonan syndrome (NFNS). Also called: NEUROFIBROMATOSIS WITH NOONAN PHENOTYPE. Identifiers: Orphanet 638, MedGen C2931482, MONDO:0011035, OMIM 601321. Disease mechanism: loss of function.
Café-au-lait macules with pulmonary stenosis (WTSN). Also called: PULMONIC STENOSIS WITH CAFE-AU-LAIT SPOTS. Identifiers: MedGen C0553586, MONDO:0008672, OMIM 193520.
Juvenile myelomonocytic leukemia (JMML). Also called: LEUKEMIA, JUVENILE MYELOMONOCYTIC, SOMATIC. Identifiers: Orphanet 86834, MedGen C0349639, MONDO:0011908, OMIM 607785, HP:0012209.
Neurofibromatosis, familial spinal (FSNF). Identifiers: Orphanet 636, MedGen C1834235, MONDO:0008078, OMIM 162210. Disease mechanism: loss of function.
Neurofibromatosis, type 1 (NF1). Also called: Peripheral type neurofibromatosis; Neurofibromatosis, type I; VON RECKLINGHAUSEN DISEASE; NEUROFIBROMATOSIS, TYPE I, SOMATIC. Identifiers: Orphanet 636, MedGen C0027831, MONDO:0018975, OMIM 162200. Disease mechanism: loss of function.

Allele frequency attached by ClinVar (database versions not stated): ExAC 0.00001; gnomAD 0.00001 and 0.00004; gnomAD exomes 0.00002 and 0.00007; TOPMed 0.00002.
gnomAD v4.1: 114 of 1,613,014 alleles (0.0071%); highest among the groups gnomAD compares: East Asian, 0.25%; 3 homozygotes.

Submissions (14):

Labcorp Genetics (formerly Invitae), Labcorp
Classification: Likely benign for Neurofibromatosis, type 1. Last evaluated: 2026-02-02. Review status: criteria provided, single submitter. Criteria: Invitae Variant Classification Sherloc (09022015). Collection method: clinical testing. Allele origin: germline.

Dasa
Classification: Likely benign. Last evaluated: 2025-12-05. Review status: criteria provided, single submitter. Criteria: DASA Assertion Criteria. Collection method: clinical testing. Allele origin: germline.
Comment: NM_001042492.3(NF1):c.5160G>T (p.Glu1720Asp) is a missense variant that results in the substitution of glutamic acid with aspartic acid. Population frequency is inconsistent with a disease-causing role for this variant, and observations in unaffected individuals support a benign interpretation. Computational prediction algorithms are consistent with a benign effect. Therefore, based on the currently available evidence, this variant is classified as likely benign.

Fulgent Genetics
Classification: Uncertain significance for Neurofibromatosis, type 1; Neurofibromatosis, familial spinal; Café-au-lait macules with pulmonary stenosis; Neurofibromatosis-Noonan syndrome; Juvenile myelomonocytic leukemia. Last evaluated: 2024-05-15. Review status: criteria provided, single submitter. Criteria: ACMG Guidelines, 2015. Collection method: clinical testing. Allele origin: germline.

Blueprint Genetics
Classification: Uncertain significance. Last evaluated: 2021-09-06. Review status: criteria provided, single submitter. Criteria: ACMG Guidelines, 2015. Collection method: clinical testing. Allele origin: germline.

GeneDx
Classification: Uncertain significance. Last evaluated: 2021-08-16. Review status: criteria provided, single submitter. Criteria: GeneDx Variant Classification Process June 2021. Collection method: clinical testing. Allele origin: germline. Affected: yes.
Comment: Previously reported in at least one individual with juvenile chronic myelogenous leukemia, without a personal history of Neurofibromatosis Type 1 (NF1), and was also absent in 65 healthy controls (Watanabe 1998); In silico analysis supports that this missense variant does not alter protein structure/function; This variant is associated with the following publications: (PMID: 9691142, 31305009, 26489445, 32566746, 30287823, 25486365, 2121369, 22807134, 26510091)

Women's Health and Genetics/Laboratory Corporation of America, LabCorp
Classification: Benign. Last evaluated: 2019-09-06. Review status: criteria provided, single submitter. Criteria: LabCorp Variant Classification Summary - May 2015. Collection method: clinical testing. Allele origin: germline.
Comment: Variant summary: NF1 c.5097G>T (p.Glu1699Asp) results in a conservative amino acid change located in the CRAL-TRIO lipid binding domain (IPR001251) of the encoded protein sequence. Four of five in-silico tools predict a benign effect of the variant on protein function. The variant allele was found at a frequency of 0.0007 in 297828 control chromosomes (gnomAD and publications), predominantly at a frequency of 0.0043 within the Japanese subpopulation (Momozawa_2018). The observed variant frequency within Japanese control individuals reported by Momozawa_2018 is approximately 5,700 fold of the estimated maximal expected allele frequency for a pathogenic variant in NF1 causing Juvenile Myelomonocytic Leukemia phenotype (7.5e-07), strongly suggesting that the variant is a benign polymorphism found primarily in populations of Japanese origin. c.5097G>T has been reported in the literature in individuals affected with Juvenile Myelomonocytic Leukemia and breast cancer, all of them were of Japanese origin (Watanabe_1998, Momozawa_2018). These reports do not provide unequivocal conclusions about association of the variant with Juvenile Myelomonocytic Leukemia. To our knowledge, no experimental evidence demonstrating an impact on protein function has been reported. Three ClinVar submitters (evaluation after 2014) cite the variant as uncertain significance. Based on the evidence outlined above, the variant was classified as benign.

Ambry Genetics
Classification: Likely benign for Cardiovascular phenotype; Hereditary cancer-predisposing syndrome. Last evaluated: 2019-08-26. Review status: criteria provided, single submitter. Criteria: Ambry Variant Classification Scheme 2023. Collection method: clinical testing. Allele origin: germline.

Mendelics
Classification: Uncertain significance for Neurofibromatosis, type 1. Last evaluated: 2019-05-28. Review status: criteria provided, single submitter. Criteria: Mendelics Assertion Criteria 2017. Collection method: clinical testing. Allele origin: unknown.

Cancer Genomics Group, Japanese Foundation For Cancer Research
Classification: Uncertain significance for Hereditary breast and ovarian cancer syndrome. Last evaluated: 2019-05-01. Review status: criteria provided, single submitter. Criteria: ACMG Guidelines, 2015. Collection method: research. Allele origin: germline. Affected: yes.

Illumina Laboratory Services, Illumina
Classification: Uncertain significance for Neurofibromatosis-Noonan syndrome. Last evaluated: 2017-07-11. Review status: criteria provided, single submitter. Criteria: ICSL Variant Classification Criteria 13 December 2019. Collection method: clinical testing. Allele origin: germline.

Illumina Laboratory Services, Illumina
Classification: Uncertain significance for Neurofibromatosis, type 1. Last evaluated: 2017-06-30. Review status: criteria provided, single submitter. Criteria: ICSL Variant Classification Criteria 13 December 2019. Collection method: clinical testing. Allele origin: germline.

Illumina Laboratory Services, Illumina
Classification: Uncertain significance for Café-au-lait macules with pulmonary stenosis. Last evaluated: 2017-06-30. Review status: criteria provided, single submitter. Criteria: ICSL Variant Classification Criteria 13 December 2019. Collection method: clinical testing. Allele origin: germline.

Illumina Laboratory Services, Illumina
Classification: Uncertain significance for Neurofibromatosis, familial spinal. Last evaluated: 2017-06-30. Review status: criteria provided, single submitter. Criteria: ICSL Variant Classification Criteria 13 December 2019. Collection method: clinical testing. Allele origin: germline.

Ambry Genetics
Classification: Uncertain significance for Hereditary cancer-predisposing syndrome. Last evaluated: 2015-12-01. Review status: criteria provided, single submitter. Criteria: Ambry Autosomal Dominant and X-Linked criteria (10/2015). Collection method: clinical testing. Allele origin: germline. Observed: 1 variant allele.
Comment: The p.E1720D variant (also known as c.5160G>T), located in coding exon 37 of the NF1 gene, results from a G to T substitution at nucleotide position 5160. The glutamic acid at codon 1720 is replaced by aspartic acid, an amino acid with highly similar properties. This variant was not reported in population based cohorts in the following databases: Database of Single Nucleotide Polymorphisms (dbSNP), NHLBI Exome Sequencing Project (ESP), and 1000 Genomes Project. In the ESP, this variant was not observed in 6503 samples (13006 alleles) with coverage at this position. To date, this alteration has been detected with an allele frequency of approximately 0.003% (greater than 110000 alleles tested) in our clinical cohort. This amino acid position is well conserved in available vertebrate species. In addition, this alteration is predicted to be tolerated by in silico analysis. Since supporting evidence is limited at this time, the clinical significance of p.E1720D remains unclear

Literature cited by the submitters: PubMed 9691142 (cited by Women's Health and Genetics/Laboratory Corporation of America, LabCorp and Ambry Genetics); PubMed 30287823 (cited by Women's Health and Genetics/Laboratory Corporation of America, LabCorp); PubMed 26510091 (cited by Women's Health and Genetics/Laboratory Corporation of America, LabCorp); PubMed 26489445 (cited by Women's Health and Genetics/Laboratory Corporation of America, LabCorp).

NM_001042492.3(NF1):c.5160G>T (p.Glu1720Asp)

Gene: NF1 (neurofibromin 1; plus strand). Cytogenetic location: 17q11.2.
Variant type: single nucleotide variant.
Coding change: c.5160G>T on transcript NM_001042492.3 (MANE Select); coding-DNA position 5160, G replaced by T.
Protein change: p.Glu1720Asp; replaces glutamic acid 1720 with aspartic acid.
Molecular consequence: missense variant.
Genome position (GRCh38, 1-based): chr17:31,326,144, G>T. VCF-style: chr17-31326144-G-T. GRCh37 (hg19) VCF-style: chr17-29653162-G-T.
Other names: c.5097G>T, p.Glu1699Asp (NM_000267.4); short protein forms E1699D, E1720D.
Identifiers: ClinVar variation 231040 (VCV000231040.26), dbSNP rs773378630, ClinGen allele CA8487141.